The following is an entry in ClinVar:

ClinVar aggregate classification (germline): Uncertain significance (1 of 4 stars; one submission).

Conditions:
DICER1-related tumor predisposition. Also called: DICER1-related pleuropulmonary blastoma cancer predisposition syndrome; DICER1 syndrome. Identifiers: Orphanet 284343, MedGen C3839822, MONDO:0100216.

Submission:

Labcorp Genetics (formerly Invitae), Labcorp
Classification: Uncertain significance for DICER1-related tumor predisposition. Last evaluated: 2023-11-15. Review status: criteria provided, single submitter. Criteria: Invitae Variant Classification Sherloc (09022015). Collection method: clinical testing. Allele origin: germline.
Comment: This sequence change replaces valine, which is neutral and non-polar, with alanine, which is neutral and non-polar, at codon 326 of the DICER1 protein (p.Val326Ala). This variant is not present in population databases (gnomAD no frequency). This variant has not been reported in the literature in individuals affected with DICER1-related conditions. Advanced modeling of protein sequence and biophysical properties (such as structural, functional, and spatial information, amino acid conservation, physicochemical variation, residue mobility, and thermodynamic stability) performed at Invitae indicates that this missense variant is not expected to disrupt DICER1 protein function with a negative predictive value of 80%. In summary, the available evidence is currently insufficient to determine the role of this variant in disease. Therefore, it has been classified as a Variant of Uncertain Significance.

NM_177438.3(DICER1):c.977T>C (p.Val326Ala)

Gene: DICER1 (dicer 1, ribonuclease III; minus strand). Cytogenetic location: 14q32.13.
Variant type: single nucleotide variant.
Coding change: c.977T>C on transcript NM_177438.3 (MANE Select); coding-DNA position 977, T replaced by C.
Protein change: p.Val326Ala; replaces valine 326 with alanine.
Molecular consequence: missense variant. On other transcripts: non-coding transcript variant (6), 5 prime UTR variant (1).
Genome position (GRCh38, 1-based): chr14:95,124,595, A>G on the plus strand (T>C on the coding strand, the complement: DICER1 is on the minus strand). VCF-style: chr14-95124595-A-G. GRCh37 (hg19) VCF-style: chr14-95590932-A-G.
Other names: c.977T>C, p.Val326Ala (NM_030621.4, NM_001195573.1, NM_001271282.3 and 15 more transcripts); c.695T>C, p.Val232Ala (NM_001395686.1); c.572T>C, p.Val191Ala (NM_001395687.1, NM_001395688.1, NM_001395689.1 and 3 more transcripts); c.410T>C, p.Val137Ala (NM_001395691.1); c.-592T>C (NM_001395697.1); short protein forms V191A, V326A, V137A, V232A.
Identifiers: ClinVar variation 2696089 (VCV002696089.3), dbSNP rs1893241047, ClinGen allele CA390887245.